The following is an entry in ClinVar:

ClinVar aggregate classification (germline): Uncertain significance (1 of 4 stars; one submission).

Conditions:
Eichsfeld type congenital muscular dystrophy (CMYO3). Also called: Rigid spine muscular dystrophy 1; MYOPATHY, SEPN1-RELATED; SELENON-related myopathy; Congenital myopathy 3 with rigid spine. Identifiers: MedGen C0410180, MONDO:0100100, OMIM 602771.

Allele frequency attached by ClinVar (database versions not stated): gnomAD exomes below 0.00001; ExAC 0.00001; TOPMed 0.00001.
gnomAD v4.1: 6 of 1,614,112 alleles (0.00037%); highest among the groups gnomAD compares: Admixed American, 0.0017%; no homozygotes.

Submission:

Labcorp Genetics (formerly Invitae), Labcorp
Classification: Uncertain significance for Eichsfeld type congenital muscular dystrophy. Last evaluated: 2022-01-03. Review status: criteria provided, single submitter. Criteria: Invitae Variant Classification Sherloc (09022015). Collection method: clinical testing. Allele origin: germline.
Comment: ClinVar contains an entry for this variant (Variation ID: 1051362). This sequence change replaces arginine, which is basic and polar, with cysteine, which is neutral and slightly polar, at codon 583 of the SELENON protein (p.Arg583Cys). This variant is present in population databases (rs758590388, gnomAD 0.003%). This variant has not been reported in the literature in individuals affected with SELENON-related conditions. Algorithms developed to predict the effect of missense changes on protein structure and function are either unavailable or do not agree on the potential impact of this missense change (SIFT: "Deleterious"; PolyPhen-2: "Possibly Damaging"; Align-GVGD: "Class C0"). Algorithms developed to predict the effect of sequence changes on RNA splicing suggest that this variant may create or strengthen a splice site. In summary, the available evidence is currently insufficient to determine the role of this variant in disease. Therefore, it has been classified as a Variant of Uncertain Significance.

NM_206926.2(SELENON):c.1645C>T (p.Arg549Cys)

Gene: SELENON (selenoprotein N; plus strand). Cytogenetic location: 1p36.11.
Variant type: single nucleotide variant.
Coding change: c.1645C>T on transcript NM_206926.2 (MANE Select); coding-DNA position 1645, C replaced by T.
Protein change: p.Arg549Cys; replaces arginine 549 with cysteine.
Molecular consequence: missense variant.
Genome position (GRCh38, 1-based): chr1:25,815,692, C>T. VCF-style: chr1-25815692-C-T. GRCh37 (hg19) VCF-style: chr1-26142183-C-T.
Other names: c.1747C>T, p.Arg583Cys (NM_020451.3); short protein forms R549C, R583C.
Identifiers: ClinVar variation 1051362 (VCV001051362.9), dbSNP rs758590388, ClinGen allele CA696981.
Genomic context (GRCh38, chr1:25,815,692, plus strand): 5'-TCCACCTTTGAAGACCCGTCCACGGCCACCTACATGCAGTTCCTGAAGGAGGGACTCCGG[C>T]GTGGCCTGCCCCTCCTCCAGCCCTAGAGTGCCTGGACGGGATCTGATGCACAGGCCCCCA-3'
Protein context (NP_996809.1, residues 539-556): YMQFLKEGLR[Arg549Cys]GLPLLQP